The following is an entry in ClinVar:

NM_177550.5(SLC13A5):c.52T>C (p.Phe18Leu)

Gene: SLC13A5 (solute carrier family 13 member 5; minus strand). Cytogenetic location: 17p13.1.
Variant type: single nucleotide variant.
Coding change: c.52T>C on transcript NM_177550.5 (MANE Select); coding-DNA position 52, T replaced by C.
Protein change: p.Phe18Leu; replaces phenylalanine 18 with leucine.
Molecular consequence: missense variant.
Genome position (GRCh38, 1-based): chr17:6,713,282, A>G on the plus strand (T>C on the coding strand, the complement: SLC13A5 is on the minus strand). VCF-style: chr17-6713282-A-G. GRCh37 (hg19) VCF-style: chr17-6616601-A-G.
Other names: c.52T>C, p.Phe18Leu (NM_001143838.3, NM_001284509.2, NM_001284510.2); short protein forms F18L.
Identifiers: ClinVar variation 643637 (VCV000643637.9), dbSNP rs1249830087, ClinGen allele CA397753827.

ClinVar aggregate classification (germline): Uncertain significance (1 of 4 stars; one submission).

Conditions:
Developmental and epileptic encephalopathy, 25 (DEE25). Also called: Epileptic encephalopathy, early infantile, 25; Developmental and epileptic encephalopathy 25, with amelogenesis imperfecta; Epileptic encephalopathy, early infantile, 25, with amelogenesis imperfecta. Identifiers: Orphanet 442835, MedGen C4014621, MONDO:0014392, OMIM 615905.

Allele frequency attached by ClinVar (database versions not stated): gnomAD exomes below 0.00001; TOPMed below 0.00001; gnomAD 0.00001.
gnomAD v4.1: 8 of 1,613,930 alleles (0.0005%); highest among the groups gnomAD compares: Admixed American, 0.0017%; no homozygotes.

Submission:

Labcorp Genetics (formerly Invitae), Labcorp
Classification: Uncertain significance for Developmental and epileptic encephalopathy, 25. Last evaluated: 2023-11-13. Review status: criteria provided, single submitter. Criteria: Invitae Variant Classification Sherloc (09022015). Collection method: clinical testing. Allele origin: germline.
Comment: This sequence change replaces phenylalanine, which is neutral and non-polar, with leucine, which is neutral and non-polar, at codon 18 of the SLC13A5 protein (p.Phe18Leu). This variant is present in population databases (no rsID available, gnomAD 0.0009%). This variant has not been reported in the literature in individuals affected with SLC13A5-related conditions. ClinVar contains an entry for this variant (Variation ID: 643637). Advanced modeling of protein sequence and biophysical properties (such as structural, functional, and spatial information, amino acid conservation, physicochemical variation, residue mobility, and thermodynamic stability) performed at Invitae indicates that this missense variant is not expected to disrupt SLC13A5 protein function with a negative predictive value of 80%. In summary, the available evidence is currently insufficient to determine the role of this variant in disease. Therefore, it has been classified as a Variant of Uncertain Significance.